The following is an entry in ClinVar:

NM_001384732.1(CPLANE1):c.3557del (p.Lys1186fs)

Gene: CPLANE1 (ciliogenesis and planar polarity effector complex subunit 1; minus strand). Cytogenetic location: 5p13.2.
Variant type: Deletion.
Coding change: c.3557del on transcript NM_001384732.1 (MANE Select); coding-DNA position 3557, one base deleted (A; older notation c.3557delA).
Protein change: p.Lys1186fs; shifts the reading frame from lysine 1186.
Molecular consequence: frameshift variant.
Genome position (GRCh38, 1-based): chr5:37,198,817, T deleted on the plus strand (A on the coding strand, the reverse complement: CPLANE1 is on the minus strand); the first of 2 consecutive T bases (chr5:37,198,817-37,198,818); deleting either gives the same sequence. VCF-style (leftmost placement, unchanged base first): chr5-37198816-CT-C. GRCh37 (hg19) VCF-style: chr5-37198918-CT-C.
Other names: c.3557del, p.Lys1186fs (NM_023073.4); c.3557del (NM_023073.3); short protein forms K1186fs.
Identifiers: ClinVar variation 3592498 (VCV003592498.5).
Genomic context (GRCh38, chr5:37,198,816, plus strand): 5'-AGGAAAAGAACACTGAGCCGCCCGGAAAAGCAGGAGAACACGCTGAAGGATTCCAGATAC[CT>C]TCTGGCGATTATTTTTTTCAGCTTTTAAAAGAAGATCATCACCATCTTCCTGAGGAAAAT-3'

ClinVar aggregate classification (germline): Pathogenic/Likely pathogenic. Review status: criteria provided, multiple submitters, no conflicts (2 of 4 stars). 4 submissions from 4 submitters: Pathogenic (3); Likely pathogenic (1). Last evaluated 2025-07-02.

Conditions:
Joubert syndrome 17 (JBTS17). Identifiers: Orphanet 475, MedGen C3553264, MONDO:0013824, OMIM 614615.
Orofaciodigital syndrome type 6 (OFD6). Also called: OROFACIODIGITAL SYNDROME VI; OFDS VI; POLYDACTYLY, CLEFT LIP/PALATE OR LINGUAL LUMP, AND PSYCHOMOTOR RETARDATION; VARADI SYNDROME; VARADI-PAPP SYNDROME; Oral-facial-digital syndrome type 6. Identifiers: Orphanet 2754, MedGen C2745997, MONDO:0010176, OMIM 277170.
C5ORF42-related disorders.

Submissions (4):

Labcorp Genetics (formerly Invitae), Labcorp
Classification: Pathogenic. Last evaluated: 2025-07-02. Review status: criteria provided, single submitter. Criteria: Invitae Variant Classification Sherloc (09022015). Collection method: clinical testing. Allele origin: germline.
Comment: This sequence change creates a premature translational stop signal (p.Lys1186Argfs*22) in the CPLANE1 gene. It is expected to result in an absent or disrupted protein product. Loss-of-function variants in CPLANE1 are known to be pathogenic (PMID: 24178751, 26092869). This variant is present in population databases (no rsID available, gnomAD 0.01%). This premature translational stop signal has been observed in individual(s) with oral-facial-digital syndrome type VI (PMID: 24178751). This variant is also known as c.3557delA (p.Lys1186Argfs*21) in C5orf42. ClinVar contains an entry for this variant (Variation ID: 3592498). For these reasons, this variant has been classified as Pathogenic.

Fulgent Genetics
Classification: Pathogenic for Orofaciodigital syndrome type 6; Joubert syndrome 17. Last evaluated: 2024-06-05. Review status: criteria provided, single submitter. Criteria: ACMG Guidelines, 2015. Collection method: clinical testing. Allele origin: germline.

Blueprint Genetics
Classification: Likely pathogenic for C5ORF42-related disorders. Last evaluated: 2019-11-26. Review status: criteria provided, single submitter. Criteria: ACMG Guidelines, 2015. Collection method: clinical testing. Allele origin: germline. Affected: yes. Observed: 1 variant allele.

Juno Genomics, Hangzhou Juno Genomics, Inc
Classification: Pathogenic for Joubert syndrome 17; Orofaciodigital syndrome type 6. Review status: criteria provided, single submitter. Criteria: ACMG Guidelines, 2015. Collection method: clinical testing. Allele origin: germline.
Comment: Absent from controls (or at extremely low frequency if recessive) in Genome Aggregation Database.;Null variant in a gene where loss of function (LOF) is a known mechanism of disease.;Patient's phenotype or family history is highly specific for a disease with a single genetic etiology.

Literature cited by the submitters: PubMed 24178751 (cited by Labcorp Genetics (formerly Invitae), Labcorp); PubMed 26092869 (cited by Labcorp Genetics (formerly Invitae), Labcorp).